The following is an entry in ClinVar:

NM_014000.3(VCL):c.863G>T (p.Ser288Ile)

Gene: VCL (vinculin; plus strand). Cytogenetic location: 10q22.2.
Variant type: single nucleotide variant.
Coding change: c.863G>T on transcript NM_014000.3 (MANE Select); coding-DNA position 863, G replaced by T.
Protein change: p.Ser288Ile; replaces serine 288 with isoleucine.
Molecular consequence: missense variant.
Genome position (GRCh38, 1-based): chr10:74,082,533, G>T. VCF-style: chr10-74082533-G-T. GRCh37 (hg19) VCF-style: chr10-75842291-G-T.
Other names: c.863G>T, p.Ser288Ile (NM_003373.4); short protein forms S288I.
Identifiers: ClinVar variation 851504 (VCV000851504.9), dbSNP rs138270989, ClinGen allele CA377269804.

ClinVar aggregate classification (germline): Uncertain significance (1 of 4 stars; one submission).

Conditions:
Dilated cardiomyopathy 1W (CMD1W). Identifiers: Orphanet 154, MedGen C1969639, MONDO:0012667, OMIM 611407.

Allele frequency attached by ClinVar (database versions not stated): gnomAD 0.00001.
gnomAD v4.1: 3 of 1,613,932 alleles (0.00019%); highest among the groups gnomAD compares: Admixed American, 0.0017%; no homozygotes.

Submission:

Labcorp Genetics (formerly Invitae), Labcorp
Classification: Uncertain significance for Dilated cardiomyopathy 1W. Last evaluated: 2024-10-16. Review status: criteria provided, single submitter. Criteria: Invitae Variant Classification Sherloc (09022015). Collection method: clinical testing. Allele origin: germline.
Comment: This sequence change replaces serine, which is neutral and polar, with isoleucine, which is neutral and non-polar, at codon 288 of the VCL protein (p.Ser288Ile). This variant is present in population databases (no rsID available, gnomAD 0.01%). This variant has not been reported in the literature in individuals affected with VCL-related conditions. ClinVar contains an entry for this variant (Variation ID: 851504). An algorithm developed to predict the effect of missense changes on protein structure and function (PolyPhen-2) suggests that this variant is likely to be tolerated. In summary, the available evidence is currently insufficient to determine the role of this variant in disease. Therefore, it has been classified as a Variant of Uncertain Significance.